The following is an entry in ClinVar:

NM_030973.4(MED25):c.1055C>T (p.Pro352Leu)

Gene: MED25 (mediator complex subunit 25; plus strand). Cytogenetic location: 19q13.33.
Variant type: single nucleotide variant.
Coding change: c.1055C>T on transcript NM_030973.4 (MANE Select); coding-DNA position 1055, C replaced by T.
Protein change: p.Pro352Leu; replaces proline 352 with leucine.
Molecular consequence: missense variant.
Genome position (GRCh38, 1-based): chr19:49,830,841, C>T. VCF-style: chr19-49830841-C-T. GRCh37 (hg19) VCF-style: chr19-50334098-C-T.
Other names: c.1055C>T, p.Pro352Leu (NM_001378355.1); short protein forms P352L.
Identifiers: ClinVar variation 1061458 (VCV001061458.6), dbSNP rs764267049, ClinGen allele CA9585121.

ClinVar aggregate classification (germline): Uncertain significance (1 of 4 stars; one submission).

Conditions:
Charcot-Marie-Tooth disease type 2. Also called: Charcot-Marie-Tooth type 2. Identifiers: Orphanet 64746, MedGen C0270914, MONDO:0018993.

Allele frequency attached by ClinVar (database versions not stated): gnomAD exomes 0.00001 and 0.00002; gnomAD 0.00009 and 0.00008; TOPMed 0.00006; ExAC 0.00003.
gnomAD v4.1: 19 of 1,612,746 alleles (0.0012%); highest among the groups gnomAD compares: African/African-American, 0.023%; no homozygotes.

Submission:

Labcorp Genetics (formerly Invitae), Labcorp
Classification: Uncertain significance for Charcot-Marie-Tooth disease type 2. Last evaluated: 2022-07-05. Review status: criteria provided, single submitter. Criteria: Invitae Variant Classification Sherloc (09022015). Collection method: clinical testing. Allele origin: germline.
Comment: This sequence change replaces proline, which is neutral and non-polar, with leucine, which is neutral and non-polar, at codon 352 of the MED25 protein (p.Pro352Leu). This variant is present in population databases (rs764267049, gnomAD 0.03%). This variant has not been reported in the literature in individuals affected with MED25-related conditions. ClinVar contains an entry for this variant (Variation ID: 1061458). Algorithms developed to predict the effect of missense changes on protein structure and function are either unavailable or do not agree on the potential impact of this missense change (SIFT: "Tolerated"; PolyPhen-2: "Possibly Damaging"; Align-GVGD: "Class C0"). In summary, the available evidence is currently insufficient to determine the role of this variant in disease. Therefore, it has been classified as a Variant of Uncertain Significance.